The following is an entry in ClinVar:

NM_015386.3(COG4):c.320A>G (p.Asn107Ser)

Gene: COG4 (component of oligomeric golgi complex 4; minus strand). Cytogenetic location: 16q22.1.
Variant type: single nucleotide variant.
Coding change: c.320A>G on transcript NM_015386.3 (MANE Select); coding-DNA position 320, A replaced by G.
Protein change: p.Asn107Ser; replaces asparagine 107 with serine.
Molecular consequence: missense variant. On other transcripts: 5 prime UTR variant (1), non-coding transcript variant (1).
Genome position (GRCh38, 1-based): chr16:70,517,675, T>C on the plus strand (A>G on the coding strand, the complement: COG4 is on the minus strand). VCF-style: chr16-70517675-T-C. GRCh37 (hg19) VCF-style: chr16-70551578-T-C.
Other names: c.308A>G, p.Asn103Ser (NM_001195139.2); c.-280A>G (NM_001365426.1); short protein forms N103S, N107S.
Identifiers: ClinVar variation 3684089 (VCV003684089.2).
Genomic context (GRCh38, chr16:70,517,675, plus strand): 5'-TGATGTATTACCTTGGCCAGGTCAAGCTGACGAACTTTGCTGGACACATTCTCAGCCAGG[T>C]TGCAGGTAAAGGTGATCATTCCAGCCAGCTGCTTTGCATCTCCCTCAATCAGCTGCAGAT-3'
Protein context (NP_056201.2, residues 97-117): QLAGMITFTC[Asn107Ser]LAENVSSKVR

ClinVar aggregate classification (germline): Uncertain significance (1 of 4 stars; one submission).

Conditions:
COG4-congenital disorder of glycosylation. Also called: CONGENITAL DISORDER OF GLYCOSYLATION, TYPE IIj; CDG IIj; COG4-CDG. Identifiers: Orphanet 263501, MedGen C4303552, MONDO:0013281, OMIM 613489.

gnomAD v4.1: 3 of 1,612,514 alleles (0.00019%); highest among the groups gnomAD compares: Non-Finnish European, 0.00025%; no homozygotes.

Submission:

Labcorp Genetics (formerly Invitae), Labcorp
Classification: Uncertain significance for COG4-congenital disorder of glycosylation. Last evaluated: 2024-12-02. Review status: criteria provided, single submitter. Criteria: Invitae Variant Classification Sherloc (09022015). Collection method: clinical testing. Allele origin: germline.
Comment: This sequence change replaces asparagine, which is neutral and polar, with serine, which is neutral and polar, at codon 107 of the COG4 protein (p.Asn107Ser). This variant is not present in population databases (gnomAD no frequency). This variant has not been reported in the literature in individuals affected with COG4-related conditions. Invitae Evidence Modeling of protein sequence and biophysical properties (such as structural, functional, and spatial information, amino acid conservation, physicochemical variation, residue mobility, and thermodynamic stability) indicates that this missense variant is not expected to disrupt COG4 protein function with a negative predictive value of 80%. In summary, the available evidence is currently insufficient to determine the role of this variant in disease. Therefore, it has been classified as a Variant of Uncertain Significance.